The following is an entry in ClinVar:

NM_014994.3(MAPKBP1):c.2735G>A (p.Arg912Gln)

Gene: MAPKBP1 (mitogen-activated protein kinase binding protein 1; plus strand). Cytogenetic location: 15q15.1.
Variant type: single nucleotide variant.
Coding change: c.2735G>A on transcript NM_014994.3 (MANE Select); coding-DNA position 2735, G replaced by A.
Protein change: p.Arg912Gln; replaces arginine 912 with glutamine.
Molecular consequence: missense variant. On other transcripts: non-coding transcript variant (2).
Genome position (GRCh38, 1-based): chr15:41,821,600, G>A. VCF-style: chr15-41821600-G-A. GRCh37 (hg19) VCF-style: chr15-42113798-G-A.
Other names: c.2753G>A, p.Arg918Gln (NM_001128608.2); c.2735G>A, p.Arg912Gln (NM_001265611.2); short protein forms R912Q, R918Q.
Identifiers: ClinVar variation 4624301 (VCV004624301.2).
Genomic context (GRCh38, chr15:41,821,600, plus strand): 5'-ATCTGTCACCTCTGCTCTGTTAACATCCCTTTGTGTGTTCCCAGAATGAAAAGCCCCCTC[G>A]GCCTCAGGCTTCCCAACCTTGTTCCTATCCCCATATTATCCGATTATTGTCACAAGAGGA-3'
Protein context (NP_055809.2, residues 902-922): SLTSQNEKPP[Arg912Gln]PQASQPCSYP

ClinVar aggregate classification (germline): Uncertain significance. Review status: criteria provided, multiple submitters, no conflicts (2 of 4 stars). 2 submissions from 2 submitters: Uncertain significance (2). Last evaluated 2025-12-14.

Conditions:
Inborn genetic diseases. Identifiers: MedGen C0950123, MeSH D030342.

gnomAD v4.1: 156 of 1,613,406 alleles (0.0097%); highest among the groups gnomAD compares: Middle Eastern, 0.016%; 2 homozygotes.

Submissions (2):

Labcorp Genetics (formerly Invitae), Labcorp
Classification: Uncertain significance. Last evaluated: 2025-12-14. Review status: criteria provided, single submitter. Criteria: Invitae Variant Classification Sherloc (09022015). Collection method: clinical testing. Allele origin: germline.
Comment: This sequence change replaces arginine, which is basic and polar, with glutamine, which is neutral and polar, at codon 918 of the MAPKBP1 protein (p.Arg918Gln). This variant is present in population databases (rs201138035, gnomAD 0.009%). This variant has not been reported in the literature in individuals affected with MAPKBP1-related conditions. An algorithm developed to predict the effect of missense changes on protein structure and function outputs the following: PolyPhen-2: "Benign". The glutamine amino acid residue is found in multiple mammalian species, which suggests that this missense change does not adversely affect protein function. In summary, the available evidence is currently insufficient to determine the role of this variant in disease. Therefore, it has been classified as a Variant of Uncertain Significance.

Ambry Genetics
Classification: Uncertain significance for Inborn genetic diseases. Last evaluated: 2025-10-22. Review status: criteria provided, single submitter. Criteria: Ambry Variant Classification Scheme 2023. Collection method: clinical testing. Allele origin: germline.